The following is an entry in ClinVar:

ClinVar aggregate classification (germline): Uncertain significance. Review status: criteria provided, multiple submitters, no conflicts (2 of 4 stars). 2 submissions from 2 submitters: Uncertain significance (2). Last evaluated 2024-09-02.

Conditions:
Inborn genetic diseases. Identifiers: MedGen C0950123, MeSH D030342.
Blau syndrome (BLAUS). Also called: ARTHROCUTANEOUVEAL GRANULOMATOSIS; GRANULOMATOSIS, FAMILIAL JUVENILE SYSTEMIC; GRANULOMATOSIS, FAMILIAL, BLAU TYPE; GRANULOMATOUS INFLAMMATORY ARTHRITIS, DERMATITIS, AND UVEITIS, FAMILIAL; JABS SYNDROME. Identifiers: Orphanet 90340, MedGen C5201146, MONDO:0008523, OMIM 186580.
Regional enteritis. Also called: Enteritis, Granulomatous. Identifiers: MedGen C0678202, MeSH D003424.

Submissions (2):

Ambry Genetics
Classification: Uncertain significance for Inborn genetic diseases. Last evaluated: 2024-09-02. Review status: criteria provided, single submitter. Criteria: Ambry Variant Classification Scheme 2023. Collection method: clinical testing. Allele origin: germline.

Labcorp Genetics (formerly Invitae), Labcorp
Classification: Uncertain significance for Regional enteritis; Blau syndrome. Last evaluated: 2023-05-11. Review status: criteria provided, single submitter. Criteria: Invitae Variant Classification Sherloc (09022015). Collection method: clinical testing. Allele origin: germline.
Comment: This variant is not present in population databases (gnomAD no frequency). This sequence change replaces leucine, which is neutral and non-polar, with proline, which is neutral and non-polar, at codon 89 of the NOD2 protein (p.Leu89Pro). This variant has not been reported in the literature in individuals affected with NOD2-related conditions. Advanced modeling of protein sequence and biophysical properties (such as structural, functional, and spatial information, amino acid conservation, physicochemical variation, residue mobility, and thermodynamic stability) performed at Invitae indicates that this missense variant is not expected to disrupt NOD2 protein function. In summary, the available evidence is currently insufficient to determine the role of this variant in disease. Therefore, it has been classified as a Variant of Uncertain Significance.

NM_001370466.1(NOD2):c.185T>C (p.Leu62Pro)

Gene: NOD2 (nucleotide binding oligomerization domain containing 2; plus strand). Cytogenetic location: 16q12.1.
Variant type: single nucleotide variant.
Coding change: c.185T>C on transcript NM_001370466.1 (MANE Select); coding-DNA position 185, T replaced by C.
Protein change: p.Leu62Pro; replaces leucine 62 with proline.
Molecular consequence: missense variant. On other transcripts: non-coding transcript variant (1).
Genome position (GRCh38, 1-based): chr16:50,699,680, T>C. VCF-style: chr16-50699680-T-C. GRCh37 (hg19) VCF-style: chr16-50733591-T-C.
Other names: c.185T>C, p.Leu62Pro (NM_001293557.2); c.266T>C, p.Leu89Pro (NM_022162.3); short protein forms L89P, L62P.
Identifiers: ClinVar variation 2938840 (VCV002938840.4), dbSNP rs1286052486, ClinGen allele CA395865951.
Genomic context (GRCh38, chr16:50,699,680, plus strand): 5'-AGGACTACGAGGGCTTCCACCTCCTGGGCCAGCCTCTCTCCCACTTGGCCAGGCGCCTTC[T>C]GGACACCGTCTGGAATAAGGGTACTTGGGCCTGTCAGAAGCTCATCGCGGCTGCCCAAGA-3'
Protein context (NP_001357395.1, residues 52-72): QPLSHLARRL[Leu62Pro]DTVWNKGTWA